The following is an entry in ClinVar:

ClinVar aggregate classification (germline): Uncertain significance (1 of 4 stars; one submission).

Submission:

Labcorp Genetics (formerly Invitae), Labcorp
Classification: Uncertain significance. Last evaluated: 2022-06-11. Review status: criteria provided, single submitter. Criteria: Invitae Variant Classification Sherloc (09022015). Collection method: clinical testing. Allele origin: germline.
Comment: This sequence change replaces proline, which is neutral and non-polar, with serine, which is neutral and polar, at codon 21 of the OTULIN protein (p.Pro21Ser). This variant is not present in population databases (gnomAD no frequency). This variant has not been reported in the literature in individuals affected with OTULIN-related conditions. Algorithms developed to predict the effect of missense changes on protein structure and function output the following: SIFT: "Tolerated"; PolyPhen-2: "Benign"; Align-GVGD: "Class C0". The serine amino acid residue is found in multiple mammalian species, which suggests that this missense change does not adversely affect protein function. In summary, the available evidence is currently insufficient to determine the role of this variant in disease. Therefore, it has been classified as a Variant of Uncertain Significance.

NM_138348.6(OTULIN):c.61C>T (p.Pro21Ser)

Gene: OTULIN (OTU deubiquitinase with linear linkage specificity; plus strand). Cytogenetic location: 5p15.2.
Variant type: single nucleotide variant.
Coding change: c.61C>T on transcript NM_138348.6 (MANE Select); coding-DNA position 61, C replaced by T.
Protein change: p.Pro21Ser; replaces proline 21 with serine.
Molecular consequence: missense variant.
Genome position (GRCh38, 1-based): chr5:14,664,886, C>T. VCF-style: chr5-14664886-C-T. GRCh37 (hg19) VCF-style: chr5-14664995-C-T.
Other names: short protein forms P21S.
Identifiers: ClinVar variation 1360340 (VCV001360340.3), dbSNP rs1415319938, ClinGen allele CA359242152.
Genomic context (GRCh38, chr5:14,664,886, plus strand): 5'-ATGAGTCGGGGGACTATGCCCCAGCCCGAAGCGTGGCCAGGCGCGAGCTGCGCCGAGACG[C>T]CGGCGCGGGAGGCGGCGGCCACGGCGCGGGACGGCGGGAAGGCGGCGGCCAGCGGGCAGC-3'
Protein context (NP_612357.4, residues 11-31): AWPGASCAET[Pro21Ser]AREAAATARD